The following is an entry in ClinVar:

NM_000057.4(BLM):c.2594A>C (p.Tyr865Ser)

Gene: BLM (BLM RecQ like helicase; plus strand). Cytogenetic location: 15q26.1.
Variant type: single nucleotide variant.
Coding change: c.2594A>C on transcript NM_000057.4 (MANE Select); coding-DNA position 2594, A replaced by C.
Protein change: p.Tyr865Ser; replaces tyrosine 865 with serine.
Molecular consequence: missense variant.
Genome position (GRCh38, 1-based): chr15:90,782,860, A>C. VCF-style: chr15-90782860-A-C. GRCh37 (hg19) VCF-style: chr15-91326090-A-C.
Other names: c.2594A>C, p.Tyr865Ser (NM_001287246.2, NM_001287247.2); c.1469A>C, p.Tyr490Ser (NM_001287248.2); short protein forms Y490S, Y865S.
Identifiers: ClinVar variation 1337698 (VCV001337698.12), dbSNP rs777842626, ClinGen allele CA393845673.

ClinVar aggregate classification (germline): Uncertain significance. Review status: criteria provided, multiple submitters, no conflicts (2 of 4 stars). 4 submissions from 4 submitters: Uncertain significance (4). Last evaluated 2026-01-18.

Conditions:
Hereditary cancer-predisposing syndrome. Also called: Neoplastic Syndromes, Hereditary; Tumor predisposition; Hereditary Cancer Syndrome; Hereditary neoplastic syndrome. Identifiers: Orphanet 140162, MedGen C0027672, MeSH D009386, MONDO:0015356.
Bloom syndrome (BLM). Also called: Bloom-Torre-Machacek syndrome. Identifiers: Orphanet 125, MedGen C0005859, MONDO:0008876, OMIM 210900.

gnomAD v4.1: 1 of 1,613,758 alleles (0.000062%); highest among the groups gnomAD compares: Non-Finnish European, 0.000085%; no homozygotes.

Submissions (4):

Labcorp Genetics (formerly Invitae), Labcorp
Classification: Uncertain significance for Bloom syndrome. Last evaluated: 2026-01-18. Review status: criteria provided, single submitter. Criteria: Invitae Variant Classification Sherloc (09022015). Collection method: clinical testing. Allele origin: germline.
Comment: This sequence change replaces tyrosine, which is neutral and polar, with serine, which is neutral and polar, at codon 865 of the BLM protein (p.Tyr865Ser). This variant is not present in population databases (gnomAD no frequency). This variant has not been reported in the literature in individuals affected with BLM-related conditions. ClinVar contains an entry for this variant (Variation ID: 1337698). Invitae Evidence Modeling of protein sequence and biophysical properties (such as structural, functional, and spatial information, amino acid conservation, physicochemical variation, residue mobility, and thermodynamic stability) indicates that this missense variant is not expected to disrupt BLM protein function with a negative predictive value of 80%. In summary, the available evidence is currently insufficient to determine the role of this variant in disease. Therefore, it has been classified as a Variant of Uncertain Significance.

Ambry Genetics
Classification: Uncertain significance for Hereditary cancer-predisposing syndrome. Last evaluated: 2025-08-01. Review status: criteria provided, single submitter. Criteria: Ambry Variant Classification Scheme 2023. Collection method: clinical testing. Allele origin: germline.
Comment: The p.Y865S variant (also known as c.2594A>C), located in coding exon 12 of the BLM gene, results from an A to C substitution at nucleotide position 2594. The tyrosine at codon 865 is replaced by serine, an amino acid with dissimilar properties. This amino acid position is conserved. In addition, this alteration is predicted to be tolerated by in silico analysis. Since supporting evidence is limited at this time, the clinical significance of this alteration remains unclear.

GeneDx
Classification: Uncertain significance. Last evaluated: 2024-05-17. Review status: criteria provided, single submitter. Criteria: GeneDx Variant Classification Process June 2021. Collection method: clinical testing. Allele origin: germline. Affected: yes.
Comment: Not observed at significant frequency in large population cohorts (gnomAD); In silico analysis indicates that this missense variant does not alter protein structure/function; Has not been previously published as pathogenic or benign to our knowledge

Genetic Services Laboratory, University of Chicago
Classification: Uncertain significance. Last evaluated: 2020-08-17. Review status: criteria provided, single submitter. Criteria: ACMG Guidelines, 2015. Collection method: clinical testing. Allele origin: germline. Affected: no.
Comment: DNA sequence analysis of the BLM gene demonstrated a sequence change, c.2594A>C, in exon 13 that results in an amino acid change, p.Tyr865Ser. This sequence change does not appear to have been previously described in patients with BLM-related disorders and has also not been described in population databases (gnomAD, ExAC). The p.Tyr865Ser change affects a poorly conserved amino acid residue located in a domain of the BLM protein that is known to be functional. The p.Tyr865Ser substitution appears to be benign using several in-silico pathogenicity prediction tools (SIFT, PolyPhen2, Align GVGD, REVEL). Due to these contrasting evidences and the lack of functional studies, the clinical significance of the p.Tyr865Ser change remains unknown at this time.